The following is an entry in ClinVar:

NM_001292063.2(OTOG):c.5378C>T (p.Thr1793Ile)

Gene: OTOG (otogelin; plus strand). Cytogenetic location: 11p15.1.
Variant type: single nucleotide variant.
Coding change: c.5378C>T on transcript NM_001292063.2 (MANE Select); coding-DNA position 5378, C replaced by T.
Protein change: p.Thr1793Ile; replaces threonine 1793 with isoleucine.
Molecular consequence: missense variant.
Genome position (GRCh38, 1-based): chr11:17,610,678, C>T. VCF-style: chr11-17610678-C-T. GRCh37 (hg19) VCF-style: chr11-17632225-C-T.
Other names: c.5414C>T, p.Thr1805Ile (NM_001277269.2); short protein forms T1793I, T1805I.
Identifiers: ClinVar variation 1375248 (VCV001375248.6), dbSNP rs1317364318, ClinGen allele CA379799393.

ClinVar aggregate classification (germline): Uncertain significance (1 of 4 stars; one submission).

Allele frequency attached by ClinVar (database versions not stated): TOPMed 0.00001; gnomAD exomes 0.00005.
gnomAD v4.1: 61 of 1,550,686 alleles (0.0039%); highest among the groups gnomAD compares: Non-Finnish European, 0.0052%; no homozygotes.

Submission:

Labcorp Genetics (formerly Invitae), Labcorp
Classification: Uncertain significance. Last evaluated: 2024-02-23. Review status: criteria provided, single submitter. Criteria: Invitae Variant Classification Sherloc (09022015). Collection method: clinical testing. Allele origin: germline.
Comment: This sequence change replaces threonine, which is neutral and polar, with isoleucine, which is neutral and non-polar, at codon 1805 of the OTOG protein (p.Thr1805Ile). This variant is not present in population databases (gnomAD no frequency). This variant has not been reported in the literature in individuals affected with OTOG-related conditions. ClinVar contains an entry for this variant (Variation ID: 1375248). Algorithms developed to predict the effect of missense changes on protein structure and function output the following: SIFT: "Not Available"; PolyPhen-2: "Benign"; Align-GVGD: "Not Available". The isoleucine amino acid residue is found in multiple mammalian species, which suggests that this missense change does not adversely affect protein function. In summary, the available evidence is currently insufficient to determine the role of this variant in disease. Therefore, it has been classified as a Variant of Uncertain Significance.